The following is an entry in ClinVar:

ClinVar aggregate classification (germline): Likely pathogenic (1 of 4 stars; one submission).

Conditions:
Anophthalmia-microphthalmia syndrome. Also called: Anophthalmia/Microphthalmia; Anophthalmia - microphthalmia. Identifiers: Orphanet 98555, MedGen C5680330, MONDO:0020147.

Submission:

Labcorp Genetics (formerly Invitae), Labcorp
Classification: Likely pathogenic for Anophthalmia-microphthalmia syndrome. Last evaluated: 2018-11-16. Review status: criteria provided, single submitter. Criteria: Invitae Variant Classification Sherloc (09022015). Collection method: clinical testing. Allele origin: germline.
Comment: In summary, the currently available evidence indicates that the variant is pathogenic, but additional data are needed to prove that conclusively. Therefore, this variant has been classified as Likely Pathogenic. This variant disrupts the Otx tails within the C-terminal domain (amino acids 247-289), which are responsible for the transactivation activity of the OTX2 protein (PMID: 16607563). While functional studies have not been performed to directly test the effect of this variant on OTX2 protein function, this suggests that disruption of this region of the protein is causative of disease. This variant has not been reported in the literature in individuals with OTX2-related disease. This variant is a gross deletion of the genomic region encompassing exon 3 of the OTX2 gene. The 5' boundary is likely confined to intron 2. The 3' end of this event is unknown as it extends through the termination codon beyond the assayed region for this gene and may encompass additional genes. While this deletion is not anticipated to result in nonsense mediated decay, it is expected to create a truncated protein product or disrupt mRNA translation.

Literature cited by the submitters: PubMed 16607563.

NC_000014.9:g.(?_56801715)_(56802375_?)del

Gene: OTX2 (orthodenticle homeobox 2; minus strand). Cytogenetic location: 14q22.3.
Variant type: Deletion.
Identifiers: ClinVar variation 663960 (VCV000663960.5).